The following is an entry in ClinVar:

NM_153717.3(EVC):c.2519C>T (p.Thr840Met)

Gene: EVC (EvC ciliary complex subunit 1; plus strand). Cytogenetic location: 4p16.2.
Variant type: single nucleotide variant.
Coding change: c.2519C>T on transcript NM_153717.3 (MANE Select); coding-DNA position 2519, C replaced by T.
Protein change: p.Thr840Met; replaces threonine 840 with methionine.
Molecular consequence: missense variant.
Genome position (GRCh38, 1-based): chr4:5,804,799, C>T. VCF-style: chr4-5804799-C-T. GRCh37 (hg19) VCF-style: chr4-5806526-C-T.
Other names: c.2519C>T, p.Thr840Met (NM_001306090.2); short protein forms T840M.
Identifiers: ClinVar variation 1311405 (VCV001311405.8), dbSNP rs143464806, ClinGen allele CA2836555.

ClinVar aggregate classification (germline): Conflicting classifications of pathogenicity. Review status: criteria provided, conflicting classifications (1 of 4 stars). 5 submissions from 5 submitters: Uncertain significance (3); Likely benign (2). Last evaluated 2026-01-19.

Conditions:
Inborn genetic diseases. Identifiers: MedGen C0950123, MeSH D030342.
EVC-related disorder. Also called: EVC-related condition; EVC-related disorders.
Curry-Hall syndrome (WAD). Also called: WEYERS ACRODENTAL DYSOSTOSIS. Identifiers: Orphanet 952, MedGen C0457013, MONDO:0008673, OMIM 193530.
Ellis-van Creveld syndrome (EVC). Also called: Chondroectodermal dysplasia; MESOECTODERMAL DYSPLASIA. Identifiers: Orphanet 289, MedGen C0013903, MONDO:0009162, OMIM 225500.

Allele frequency attached by ClinVar (database versions not stated): gnomAD exomes 0.00011 and 0.00015; ExAC 0.00015; gnomAD 0.00022 and 0.00024; TOPMed 0.00026; ESP Exome Variant Server 0.00031.
gnomAD v4.1: 193 of 1,614,116 alleles (0.012%); highest among the groups gnomAD compares: Admixed American, 0.045%; no homozygotes.

Submissions (5):

Labcorp Genetics (formerly Invitae), Labcorp
Classification: Likely benign for Curry-Hall syndrome; Ellis-van Creveld syndrome. Last evaluated: 2026-01-19. Review status: criteria provided, single submitter. Criteria: Invitae Variant Classification Sherloc (09022015). Collection method: clinical testing. Allele origin: germline.

Women's Health and Genetics/Laboratory Corporation of America, LabCorp
Classification: Uncertain significance. Last evaluated: 2025-09-09. Review status: criteria provided, single submitter. Criteria: LabCorp Variant Classification Summary - May 2015. Collection method: clinical testing. Allele origin: germline.
Comment: Variant summary: EVC c.2519C>T (p.Thr840Met) results in a non-conservative amino acid change in the encoded protein sequence. Algorithms developed to predict the effect of missense changes on protein structure and function are either unavailable or do not agree on the potential impact of this missense change. The variant allele was found at a frequency of 0.00015 in 251464 control chromosomes. This frequency is not significantly higher than estimated for disease-causing variants in EVC, allowing no conclusion about variant significance. To our knowledge, no occurrence of c.2519C>T in individuals affected with EVC-related conditions and no experimental evidence demonstrating its impact on protein function have been reported. ClinVar contains an entry for this variant (Variation ID: 1311405). Based on the evidence outlined above, the variant was classified as uncertain significance.

GeneDx
Classification: Uncertain significance. Last evaluated: 2025-04-08. Review status: criteria provided, single submitter. Criteria: GeneDx Variant Classification Process June 2021. Collection method: clinical testing. Allele origin: germline. Affected: yes.
Comment: Has not been previously published as pathogenic or benign to our knowledge; In silico analysis indicates that this missense variant does not alter protein structure/function

Daryl Scott Lab, Baylor College of Medicine
Classification: Uncertain significance for EVC-related disorder. Last evaluated: 2024-01-01. Review status: criteria provided, single submitter. Criteria: ACMG Guidelines, 2015. Collection method: clinical testing. Allele origin: paternal. Observed: 1 heterozygote.
Comment: no criteria met

Ambry Genetics
Classification: Likely benign for Inborn genetic diseases. Last evaluated: 2023-11-27. Review status: criteria provided, single submitter. Criteria: Ambry Variant Classification Scheme 2023. Collection method: clinical testing. Allele origin: germline.